The following is an entry in ClinVar:

NM_001365480.1(CCDC88A):c.5327G>C (p.Gly1776Ala)

Gene: CCDC88A (coiled-coil domain containing 88A; minus strand). Cytogenetic location: 2p16.1.
Variant type: single nucleotide variant.
Coding change: c.5327G>C on transcript NM_001365480.1 (MANE Select); coding-DNA position 5327, G replaced by C.
Protein change: p.Gly1776Ala; replaces glycine 1776 with alanine.
Molecular consequence: missense variant. On other transcripts: intron variant (1).
Genome position (GRCh38, 1-based): chr2:55,295,821, C>G on the plus strand (G>C on the coding strand, the complement: CCDC88A is on the minus strand). VCF-style: chr2-55295821-C-G. GRCh37 (hg19) VCF-style: chr2-55522957-C-G.
Other names: c.5324G>C, p.Gly1775Ala (NM_001135597.2); c.5243G>C, p.Gly1748Ala (NM_018084.5); c.5196-94G>C (NM_001254943.2); short protein forms G1748A, G1775A, G1776A.
Identifiers: ClinVar variation 1491763 (VCV001491763.3), dbSNP rs1048745757, ClinGen allele CA47619226.

ClinVar aggregate classification (germline): Uncertain significance (1 of 4 stars; one submission).

Allele frequency attached by ClinVar (database versions not stated): gnomAD exomes 0.00001; gnomAD 0.00004; TOPMed 0.00005.
gnomAD v4.1: 28 of 1,613,878 alleles (0.0017%); highest among the groups gnomAD compares: African/African-American, 0.012%; no homozygotes.

Submission:

Labcorp Genetics (formerly Invitae), Labcorp
Classification: Uncertain significance. Last evaluated: 2022-10-25. Review status: criteria provided, single submitter. Criteria: Invitae Variant Classification Sherloc (09022015). Collection method: clinical testing. Allele origin: germline.
Comment: This sequence change replaces glycine, which is neutral and non-polar, with alanine, which is neutral and non-polar, at codon 1775 of the CCDC88A protein (p.Gly1775Ala). The frequency data for this variant in the population databases is considered unreliable, as metrics indicate poor data quality at this position in the gnomAD database. This variant has not been reported in the literature in individuals affected with CCDC88A-related conditions. ClinVar contains an entry for this variant (Variation ID: 1491763). Algorithms developed to predict the effect of missense changes on protein structure and function (SIFT, PolyPhen-2, Align-GVGD) all suggest that this variant is likely to be tolerated. In summary, the available evidence is currently insufficient to determine the role of this variant in disease. Therefore, it has been classified as a Variant of Uncertain Significance.